The following is an entry in ClinVar:

NM_006186.4(NR4A2):c.892G>A (p.Val298Met)

Gene: NR4A2 (nuclear receptor subfamily 4 group A member 2; minus strand). Cytogenetic location: 2q24.1.
Variant type: single nucleotide variant.
Coding change: c.892G>A on transcript NM_006186.4 (MANE Select); coding-DNA position 892, G replaced by A.
Protein change: p.Val298Met; replaces valine 298 with methionine.
Molecular consequence: missense variant.
Genome position (GRCh38, 1-based): chr2:156,328,506, C>T on the plus strand (G>A on the coding strand, the complement: NR4A2 is on the minus strand). VCF-style: chr2-156328506-C-T. GRCh37 (hg19) VCF-style: chr2-157185018-C-T.
Other names: c.703G>A, p.Val235Met (NM_173173.3); short protein forms V235M, V298M.
Identifiers: ClinVar variation 3252393 (VCV003252393.1), dbSNP rs773502234.

ClinVar aggregate classification (germline): Uncertain significance (1 of 4 stars; one submission).

Allele frequency attached by ClinVar (database versions not stated): ExAC 0.00001.
gnomAD v4.1: 1 of 1,614,174 alleles (0.000062%); highest among the groups gnomAD compares: Non-Finnish European, 0.000085%; no homozygotes.

Submission:

GeneDx
Classification: Uncertain significance. Last evaluated: 2023-12-07. Review status: criteria provided, single submitter. Criteria: GeneDx Variant Classification Process June 2021. Collection method: clinical testing. Allele origin: germline. Affected: yes.
Comment: In silico analysis supports that this missense variant has a deleterious effect on protein structure/function; Has not been previously published as pathogenic or benign to our knowledge